The following is an entry in ClinVar:

NM_000732.6(CD3D):c.278G>A (p.Cys93Tyr)

Gene: CD3D (CD3 delta subunit of T-cell receptor complex; minus strand). Cytogenetic location: 11q23.3.
Variant type: single nucleotide variant.
Coding change: c.278G>A on transcript NM_000732.6 (MANE Select); coding-DNA position 278, G replaced by A.
Protein change: p.Cys93Tyr; replaces cysteine 93 with tyrosine.
Molecular consequence: missense variant. On other transcripts: intron variant (1).
Genome position (GRCh38, 1-based): chr11:118,339,903, C>T on the plus strand (G>A on the coding strand, the complement: CD3D is on the minus strand). VCF-style: chr11-118339903-C-T. GRCh37 (hg19) VCF-style: chr11-118210618-C-T.
Other names: c.275-409G>A (NM_001040651.2); short protein forms C93Y.
Identifiers: ClinVar variation 1500528 (VCV001500528.8), dbSNP rs2134059424, ClinGen allele CA382788490.

ClinVar aggregate classification (germline): Uncertain significance (1 of 4 stars; one submission).

Conditions:
Immunodeficiency 19 (IMD19). Also called: SCID, T CELL-NEGATIVE, B CELL-POSITIVE, NK CELL-POSITIVE; CD3-DELTA DEFICIENCY; SEVERE COMBINED IMMUNODEFICIENCY, T CELL-NEGATIVE, B CELL-POSITIVE, NK CELL-POSITIVE; IMMUNODEFICIENCY 19, SEVERE COMBINED. Identifiers: MedGen C3810147, MONDO:0014280, OMIM 615617.

Submission:

Labcorp Genetics (formerly Invitae), Labcorp
Classification: Uncertain significance for Immunodeficiency 19. Last evaluated: 2022-02-10. Review status: criteria provided, single submitter. Criteria: Invitae Variant Classification Sherloc (09022015). Collection method: clinical testing. Allele origin: germline.
Comment: This variant has not been reported in the literature in individuals affected with CD3D-related conditions. This variant is not present in population databases (gnomAD no frequency). This sequence change replaces cysteine, which is neutral and slightly polar, with tyrosine, which is neutral and polar, at codon 93 of the CD3D protein (p.Cys93Tyr). Algorithms developed to predict the effect of missense changes on protein structure and function (SIFT, PolyPhen-2, Align-GVGD) all suggest that this variant is likely to be disruptive. In summary, the available evidence is currently insufficient to determine the role of this variant in disease. Therefore, it has been classified as a Variant of Uncertain Significance.